The following is an entry in ClinVar:

NM_198253.3(TERT):c.2944T>C (p.Cys982Arg)

Gene: TERT (telomerase reverse transcriptase; minus strand). Cytogenetic location: 5p15.33.
Variant type: single nucleotide variant.
Coding change: c.2944T>C on transcript NM_198253.3 (MANE Select); coding-DNA position 2944, T replaced by C.
Protein change: p.Cys982Arg; replaces cysteine 982 with arginine.
Molecular consequence: missense variant. On other transcripts: non-coding transcript variant (2).
Genome position (GRCh38, 1-based): chr5:1,260,500, A>G on the plus strand (T>C on the coding strand, the complement: TERT is on the minus strand). VCF-style: chr5-1260500-A-G. GRCh37 (hg19) VCF-style: chr5-1260615-A-G.
Other names: c.2755T>C, p.Cys919Arg (NM_001193376.3); short protein forms C919R, C982R.
Identifiers: ClinVar variation 3763137 (VCV003763137.2).

ClinVar aggregate classification (germline): Uncertain significance (1 of 4 stars; one submission).

Conditions:
Dyskeratosis congenita, autosomal dominant 2. Identifiers: MedGen C3151443, MONDO:0013521, OMIM 613989.
Idiopathic Pulmonary Fibrosis. Also called: Idiopathic fibrosing alveolitis, chronic form; idiopathic fibrosing alveolitis. Identifiers: Orphanet 2032, MedGen C1800706, MeSH D054990, MONDO:0800504.

Submission:

Labcorp Genetics (formerly Invitae), Labcorp
Classification: Uncertain significance for Dyskeratosis congenita, autosomal dominant 2; Idiopathic Pulmonary Fibrosis. Last evaluated: 2024-11-18. Review status: criteria provided, single submitter. Criteria: Invitae Variant Classification Sherloc (09022015). Collection method: clinical testing. Allele origin: germline.
Comment: This sequence change replaces cysteine, which is neutral and slightly polar, with arginine, which is basic and polar, at codon 982 of the TERT protein (p.Cys982Arg). This variant is not present in population databases (gnomAD no frequency). This variant has not been reported in the literature in individuals affected with TERT-related conditions. Invitae Evidence Modeling of protein sequence and biophysical properties (such as structural, functional, and spatial information, amino acid conservation, physicochemical variation, residue mobility, and thermodynamic stability) indicates that this missense variant is expected to disrupt TERT protein function with a positive predictive value of 95%. In summary, the available evidence is currently insufficient to determine the role of this variant in disease. Therefore, it has been classified as a Variant of Uncertain Significance.